The following is an entry in ClinVar:

ClinVar aggregate classification (germline): Uncertain significance (1 of 4 stars; one submission).

Submission:

Labcorp Genetics (formerly Invitae), Labcorp
Classification: Uncertain significance. Last evaluated: 2021-07-14. Review status: criteria provided, single submitter. Criteria: Invitae Variant Classification Sherloc (09022015). Collection method: clinical testing. Allele origin: germline.
Comment: This variant is not present in population databases (ExAC no frequency). This sequence change replaces serine with cysteine at codon 3949 of the HERC1 protein (p.Ser3949Cys). The serine residue is highly conserved and there is a moderate physicochemical difference between serine and cysteine. This variant has not been reported in the literature in individuals affected with HERC1-related conditions. In summary, the available evidence is currently insufficient to determine the role of this variant in disease. Therefore, it has been classified as a Variant of Uncertain Significance. Algorithms developed to predict the effect of missense changes on protein structure and function (SIFT, PolyPhen-2, Align-GVGD) all suggest that this variant is likely to be tolerated.

NM_003922.4(HERC1):c.11846C>G (p.Ser3949Cys)

Gene: HERC1 (HECT and RLD domain containing E3 ubiquitin protein ligase family member 1; minus strand). Cytogenetic location: 15q22.31.
Variant type: single nucleotide variant.
Coding change: c.11846C>G on transcript NM_003922.4 (MANE Select); coding-DNA position 11846, C replaced by G.
Protein change: p.Ser3949Cys; replaces serine 3949 with cysteine.
Molecular consequence: missense variant.
Genome position (GRCh38, 1-based): chr15:63,640,207, G>C on the plus strand (C>G on the coding strand, the complement: HERC1 is on the minus strand). VCF-style: chr15-63640207-G-C. GRCh37 (hg19) VCF-style: chr15-63932406-G-C.
Other names: short protein forms S3949C.
Identifiers: ClinVar variation 1405622 (VCV001405622.8), dbSNP rs774633591, ClinGen allele CA392743819.